The following is an entry in ClinVar:

NM_139315.3(TAF6):c.721-1G>A

Gene: TAF6 (TATA-box binding protein associated factor 6; minus strand). Cytogenetic location: 7q22.1.
Variant type: single nucleotide variant.
Coding change: c.721-1G>A on transcript NM_139315.3 (MANE Select); the canonical splice acceptor site of the intron before coding-DNA position 721, G replaced by A.
Molecular consequence: splice acceptor variant.
Genome position (GRCh38, 1-based): chr7:100,112,000, C>T on the plus strand (G>A on the coding strand, the complement: TAF6 is on the minus strand). VCF-style: chr7-100112000-C-T. GRCh37 (hg19) VCF-style: chr7-99709623-C-T.
Other names: c.832-1G>A (NM_001190415.2); c.691-1G>A (NM_001365001.1, NM_001365000.1, NM_001365003.1 and 1 more transcripts); c.859-1G>A (NM_001365004.1); c.721-1G>A (NM_005641.4, NM_001364998.1, NM_001364999.1).
Identifiers: ClinVar variation 489277 (VCV000489277.3), dbSNP rs1554387469, ClinGen allele CA368488503.

ClinVar aggregate classification (germline): Likely pathogenic (1 of 4 stars; one submission).

Allele frequency attached by ClinVar (database versions not stated): gnomAD exomes below 0.00001.
gnomAD v4.1: 4 of 1,613,828 alleles (0.00025%); highest among the groups gnomAD compares: Non-Finnish European, 0.00034%; no homozygotes.

Submission:

GeneDx
Classification: Likely pathogenic. Last evaluated: 2021-02-19. Review status: criteria provided, single submitter. Criteria: GeneDx Variant Classification Process June 2021. Collection method: clinical testing. Allele origin: germline. Affected: yes.
Comment: Canonical splice site variant expected to result in aberrant splicing, although in the absence of functional evidence the actual effect of this sequence change is unknown.; Not observed in large population cohorts (Lek et al., 2016); Has not been previously published as pathogenic or benign to our knowledge